The following is an entry in ClinVar:

ClinVar aggregate classification (germline): Uncertain significance. Review status: criteria provided, multiple submitters, no conflicts (2 of 4 stars). 7 submissions from 7 submitters: Uncertain significance (7). Last evaluated 2025-10-01.

Conditions:
Cardiovascular phenotype. Identifiers: MedGen CN230736.
Arrhythmogenic right ventricular dysplasia 8 (ARVD8). Also called: ARRHYTHMOGENIC RIGHT VENTRICULAR DYSPLASIA, FAMILIAL, 8; ARRHYTHMOGENIC RIGHT VENTRICULAR CARDIOMYOPATHY 8; Arrhythmogenic Right Ventricular Dysplasia/Cardiomyopathy 8. Identifiers: MedGen C1843896, MONDO:0011831, OMIM 607450.
Arrhythmogenic cardiomyopathy with wooly hair and keratoderma. Also called: Arrhythmogenic cardiomyopathy with woolly hair and keratoderma; Carvajal syndrome; Dilated cardiomyopathy with woolly hair and keratoderma; PALMOPLANTAR KERATODERMA WITH LEFT VENTRICULAR CARDIOMYOPATHY AND WOOLLY HAIR. Identifiers: Orphanet 65282, MedGen C1854063, MONDO:0011581, OMIM 605676.
Cardiomyopathy (CMYO). Also called: Cardiomyopathies. Identifiers: Orphanet 167848, MedGen C0878544, MONDO:0004994, HP:0001638. Inheritance: Various modes of inheritance.

Allele frequency attached by ClinVar (database versions not stated): gnomAD exomes below 0.00001.

Submissions (7):

GeneDx
Classification: Uncertain significance. Last evaluated: 2025-10-01. Review status: criteria provided, single submitter. Criteria: GeneDx Variant Classification Process June 2021. Collection method: clinical testing. Allele origin: germline. Affected: yes.
Comment: Not observed at significant frequency in large population cohorts (gnomAD); In silico analysis suggests that this missense variant does not alter protein structure/function; This variant is associated with the following publications: (PMID: 25693453, 31402444)

Molecular Diagnostic Laboratory for Inherited Cardiovascular Disease, Montreal Heart Institute
Classification: Uncertain significance for Cardiovascular phenotype. Last evaluated: 2025-02-17. Review status: criteria provided, single submitter. Criteria: ACMG Guidelines, 2015. Collection method: clinical testing. Allele origin: germline. Affected: yes.
Comment: PM2, BP4

Labcorp Genetics (formerly Invitae), Labcorp
Classification: Uncertain significance for Arrhythmogenic cardiomyopathy with wooly hair and keratoderma; Arrhythmogenic right ventricular dysplasia 8. Last evaluated: 2024-10-01. Review status: criteria provided, single submitter. Criteria: Invitae Variant Classification Sherloc (09022015). Collection method: clinical testing. Allele origin: germline.
Comment: This sequence change replaces alanine, which is neutral and non-polar, with threonine, which is neutral and polar, at codon 206 of the DSP protein (p.Ala206Thr). This variant is present in population databases (rs794728109, gnomAD 0.0009%). This missense change has been observed in individual(s) with clinical features of DSP-related conditions (PMID: 25693453). ClinVar contains an entry for this variant (Variation ID: 199852). An algorithm developed to predict the effect of missense changes on protein structure and function outputs the following: PolyPhen-2: "Benign". The threonine amino acid residue is found in multiple mammalian species, which suggests that this missense change does not adversely affect protein function. In summary, the available evidence is currently insufficient to determine the role of this variant in disease. Therefore, it has been classified as a Variant of Uncertain Significance.

All of Us Research Program, National Institutes of Health
Classification: Uncertain significance for Arrhythmogenic cardiomyopathy with wooly hair and keratoderma. Last evaluated: 2023-05-16. Review status: criteria provided, single submitter. Criteria: ACMG Guidelines, 2015. Collection method: clinical testing. Allele origin: germline. Inheritance: Autosomal dominant inheritance. Observed: 1 variant allele, 1 heterozygote.
Comment: This missense variant replaces alanine with threonine at codon 206 of the DSP protein. Computational prediction suggests that this variant may not impact protein structure and function (internally defined REVEL score threshold <= 0.5, PMID: 27666373). To our knowledge, functional studies have not been reported for this variant. This variant has been reported in an individual affected with sudden unexpected death (PMID: 25693453). This variant has been identified in 1/251340 chromosomes in the general population by the Genome Aggregation Database (gnomAD). The available evidence is insufficient to determine the role of this variant in disease conclusively. Therefore, this variant is classified as a Variant of Uncertain Significance.

This study involves interpretation of variants in research participants for the purpose of population health screening. Participant phenotype was not available at the time of variant classification. Additional details can be found in publication PMID: 35346344, PMCID: PMC8962531

Color Diagnostics, LLC DBA Color Health
Classification: Uncertain significance for Cardiomyopathy. Last evaluated: 2023-04-25. Review status: criteria provided, single submitter. Criteria: ACMG Guidelines, 2015. Collection method: clinical testing. Allele origin: germline.
Comment: This missense variant replaces alanine with threonine at codon 206 of the DSP protein. Computational prediction suggests that this variant may not impact protein structure and function (internally defined REVEL score threshold <= 0.5, PMID: 27666373). To our knowledge, functional studies have not been reported for this variant. This variant has been reported in an individual affected with sudden unexpected death (PMID: 25693453). This variant has been identified in 1/251340 chromosomes in the general population by the Genome Aggregation Database (gnomAD). The available evidence is insufficient to determine the role of this variant in disease conclusively. Therefore, this variant is classified as a Variant of Uncertain Significance.

Blueprint Genetics
Classification: Uncertain significance. Last evaluated: 2022-12-16. Review status: criteria provided, single submitter. Criteria: ACMG Guidelines, 2015. Collection method: clinical testing. Allele origin: germline.

Women's Health and Genetics/Laboratory Corporation of America, LabCorp
Classification: Uncertain significance. Last evaluated: 2021-07-27. Review status: criteria provided, single submitter. Criteria: LabCorp Variant Classification Summary - May 2015. Collection method: clinical testing. Allele origin: germline.
Comment: Variant summary: DSP c.616G>A (p.Ala206Thr) results in a non-conservative amino acid change in the encoded protein sequence. Four of five in-silico tools predict a benign effect of the variant on protein function. The variant allele was found at a frequency of 4e-06 in 251340 control chromosomes. The available data on variant occurrences in the general population are insufficient to allow any conclusion about variant significance. c.616G>A has been reported in the literature in at least one individual with sudden death and causes of death could not be determined at autopsy (Sato_2015). This report does not provide unequivocal conclusions about association of the variant with Arrhythmogenic Right Ventricular Dysplasia/Cardiomyopathy. To our knowledge, no experimental evidence demonstrating an impact on protein function has been reported. No clinical diagnostic laboratories have submitted clinical-significance assessments for this variant to ClinVar after 2014. Based on the evidence outlined above, the variant was classified as uncertain significance.

Literature cited by the submitters: PubMed 25693453 (cited by 4 submitters).

NM_004415.4(DSP):c.616G>A (p.Ala206Thr)

Gene: DSP (desmoplakin; plus strand). Cytogenetic location: 6p24.3.
Variant type: single nucleotide variant.
Coding change: c.616G>A on transcript NM_004415.4 (MANE Select); coding-DNA position 616, G replaced by A.
Protein change: p.Ala206Thr; replaces alanine 206 with threonine.
Molecular consequence: missense variant.
Genome position (GRCh38, 1-based): chr6:7,562,670, G>A. VCF-style: chr6-7562670-G-A. GRCh37 (hg19) VCF-style: chr6-7562903-G-A.
Other names: p.A206T:GCC>ACC; c.616G>A, p.Ala206Thr (NM_001008844.3, NM_001319034.2); c.616G>A (LRG_423t1); short protein forms A206T.
Identifiers: ClinVar variation 199852 (VCV000199852.14), dbSNP rs794728109, ClinGen allele CA006728.
Genomic context (GRCh38, chr6:7,562,670, plus strand): 5'-GGGCAACAACAAAGGGCGCCTCTCTTTGTCTTTGTGTCGCAGGCGGAGATGGACATGGTG[G>A]CCTGGGGTGTGGACCTGGCCTCAGTGGAGCAGCACATTAACAGCCACCGGGGCATCCACA-3'
Protein context (NP_004406.2, residues 196-216): RQQRAEMDMV[Ala206Thr]WGVDLASVEQ